The following is an entry in ClinVar:

NM_000237.3(LPL):c.209A>G (p.Asn70Ser)

Gene: LPL (lipoprotein lipase; plus strand). Cytogenetic location: 8p21.3.
Variant type: single nucleotide variant.
Coding change: c.209A>G on transcript NM_000237.3 (MANE Select); coding-DNA position 209, A replaced by G.
Protein change: p.Asn70Ser; replaces asparagine 70 with serine.
Molecular consequence: missense variant.
Genome position (GRCh38, 1-based): chr8:19,948,300, A>G. VCF-style: chr8-19948300-A-G. GRCh37 (hg19) VCF-style: chr8-19805811-A-G.
Other names: c.209A>G (NM_000237.2); short protein forms N70S.
Identifiers: ClinVar variation 4709570 (VCV004709570.2).

ClinVar aggregate classification (germline): Uncertain significance. Review status: criteria provided, multiple submitters, no conflicts (2 of 4 stars). 2 submissions from 2 submitters: Uncertain significance (2). Last evaluated 2025-12-18.

Conditions:
LPL-related disorder. Also called: LPL-related condition.

gnomAD v4.1: 1 of 1,614,134 alleles (0.000062%); highest among the groups gnomAD compares: South Asian, 0.0011%; no homozygotes.

Submissions (2):

PreventionGenetics, part of Exact Sciences
Classification: Uncertain significance for LPL-related condition. Last evaluated: 2025-12-18. Review status: criteria provided, single submitter. Criteria: ACMG Guidelines, 2015. Collection method: clinical testing. Allele origin: germline.
Comment: The LPL c.209A>G variant is predicted to result in the amino acid substitution p.Asn70Ser. This variant, alternatively referred to as p.Asn43Ser using legacy nomenclature, has been reported in the homozygous state in an individual with lipoprotein lipase deficiency (Kobayashi et al. 1994. PubMed ID: 7999071). This variant has also been reported in a cohort study with dyslipidemias (Table S4, Dron et al. 2020. PubMed ID: 32041611). An in vitro experimental study using HEK-293T cells suggests this variant abolishes LPL activity (Kobayashi et al. 1994. PubMed ID: 7999071). This variant has not been reported in a large population database (gnomAD), indicating it is rare. Although we suspect that this variant may be pathogenic, at this time, the clinical significance of this variant is uncertain due to the absence of conclusive functional and genetic evidence.

Labcorp Genetics (formerly Invitae), Labcorp
Classification: Uncertain significance. Last evaluated: 2025-03-10. Review status: criteria provided, single submitter. Criteria: Invitae Variant Classification Sherloc (09022015). Collection method: clinical testing. Allele origin: germline.
Comment: This sequence change replaces asparagine, which is neutral and polar, with serine, which is neutral and polar, at codon 70 of the LPL protein (p.Asn70Ser). This variant is not present in population databases (gnomAD no frequency). This missense change has been observed in individual(s) with chylomicronemia and/or dyslipidemia(s) (PMID: 7999071, 32041611). This variant is also known as 383A>G (Asn43Ser). Invitae Evidence Modeling of protein sequence and biophysical properties (such as structural, functional, and spatial information, amino acid conservation, physicochemical variation, residue mobility, and thermodynamic stability) has been performed for this missense variant. However, the output from this modeling did not meet the statistical confidence thresholds required to predict the impact of this variant on LPL protein function. Experimental studies have shown that this missense change affects LPL function (PMID: 7999071). In summary, the available evidence is currently insufficient to determine the role of this variant in disease. Therefore, it has been classified as a Variant of Uncertain Significance.

Literature cited by the submitters: PubMed 7999071 (cited by Labcorp Genetics (formerly Invitae), Labcorp); PubMed 32041611 (cited by Labcorp Genetics (formerly Invitae), Labcorp).